The following is an entry in ClinVar:

NM_001349338.3(FOXP1):c.870-2A>C

Gene: FOXP1 (forkhead box P1; minus strand). Cytogenetic location: 3p13.
Variant type: single nucleotide variant.
Coding change: c.870-2A>C on transcript NM_001349338.3 (MANE Select); the canonical splice acceptor site of the intron before coding-DNA position 870, A replaced by C.
Molecular consequence: splice acceptor variant.
Genome position (GRCh38, 1-based): chr3:71,015,655, T>G on the plus strand (A>C on the coding strand, the complement: FOXP1 is on the minus strand). VCF-style: chr3-71015655-T-G. GRCh37 (hg19) VCF-style: chr3-71064806-T-G.
Other names: c.870-2A>C (NM_001244810.2, NM_032682.6, NM_001349340.3 and 3 more transcripts); c.867-2A>C (NM_001349341.3); c.642-2A>C (NM_001244812.3); c.567-2A>C (NM_001349343.3, NM_001349337.2, NM_001349344.3); c.570-2A>C (NM_001349342.3, NM_001370548.1, NM_001244815.2 and 1 more transcripts).
Identifiers: ClinVar variation 2636993 (VCV002636993.1), dbSNP rs2545543509, ClinGen allele CA353562468.

ClinVar aggregate classification (germline): Likely pathogenic (1 of 4 stars; one submission).

Conditions:
FOXP1-related disorder. Also called: FOXP1-related condition.

Submission:

PreventionGenetics, part of Exact Sciences
Classification: Likely pathogenic for FOXP1-related condition. Last evaluated: 2022-10-12. Review status: criteria provided, single submitter. Criteria: ACMG Guidelines, 2015. Collection method: clinical testing. Allele origin: germline.
Comment: The FOXP1 c.870-2A>C variant is predicted to disrupt the AG splice acceptor site and interfere with normal splicing. To our knowledge, this variant has not been reported in the literature or in a large population database, indicating this variant is rare. Variants that disrupt the consensus splice acceptor site in FOXP1 are expected to be pathogenic. This variant is interpreted as likely pathogenic.